The following is an entry in ClinVar:

NM_001080517.3(SETD5):c.1735A>G (p.Thr579Ala)

Gene: SETD5 (SET domain containing 5; plus strand). Cytogenetic location: 3p25.3.
Variant type: single nucleotide variant.
Coding change: c.1735A>G on transcript NM_001080517.3 (MANE Select); coding-DNA position 1735, A replaced by G.
Protein change: p.Thr579Ala; replaces threonine 579 with alanine.
Molecular consequence: missense variant.
Genome position (GRCh38, 1-based): chr3:9,447,260, A>G. VCF-style: chr3-9447260-A-G. GRCh37 (hg19) VCF-style: chr3-9488944-A-G.
Other names: c.1441A>G, p.Thr481Ala (NM_001292043.2, NM_001349451.2); c.1831A>G, p.Thr611Ala (NM_001437633.1); c.1792A>G, p.Thr598Ala (NM_001437635.1); c.1735A>G, p.Thr579Ala (NM_001437643.1); c.1774A>G, p.Thr592Ala (NM_001437701.1); short protein forms T481A, T579A, T592A, T598A, T611A.
Identifiers: ClinVar variation 4534086 (VCV004534086.6).

ClinVar aggregate classification (germline): Likely benign (1 of 4 stars; one submission).

gnomAD v4.1: 2 of 1,614,020 alleles (0.00012%); highest among the groups gnomAD compares: Non-Finnish European, 0.00017%; no homozygotes.

Submission:

CeGaT Center for Human Genetics Tuebingen
Classification: Likely benign. Last evaluated: 2025-11-01. Review status: criteria provided, single submitter. Criteria: CeGaT Center For Human Genetics Tuebingen Variant Classification Criteria Version 2. Collection method: clinical testing. Allele origin: germline. Affected: yes. Observed: 1 variant allele.
Comment: SETD5: BP4